The following is an entry in ClinVar:

NM_000059.4(BRCA2):c.2004G>A (p.Arg668=)

Gene: BRCA2 (BRCA2 DNA repair associated; plus strand). Cytogenetic location: 13q13.1.
Variant type: single nucleotide variant.
Coding change: c.2004G>A on transcript NM_000059.4 (MANE Select); coding-DNA position 2004, G replaced by A.
Protein change: p.Arg668=; no amino-acid change (arginine 668 retained).
Molecular consequence: synonymous variant.
Genome position (GRCh38, 1-based): chr13:32,336,359, G>A. VCF-style: chr13-32336359-G-A. GRCh37 (hg19) VCF-style: chr13-32910496-G-A.
Identifiers: ClinVar variation 184412 (VCV000184412.32), dbSNP rs755049218, ClinGen allele CA014114.

ClinVar aggregate classification (germline): Likely benign. Review status: reviewed by expert panel (3 of 4 stars). 13 submissions from 13 submitters: Likely benign (1). 12 of the submissions do not count toward it. Last evaluated 2017-06-29.

Conditions:
Hereditary cancer-predisposing syndrome. Also called: Tumor predisposition; Neoplastic Syndromes, Hereditary; Hereditary neoplastic syndrome; Hereditary Cancer Syndrome. Identifiers: Orphanet 140162, MedGen C0027672, MeSH D009386, MONDO:0015356.
Hereditary breast ovarian cancer syndrome. Also called: Hereditary breast and ovarian cancer syndrome; Hereditary breast and ovarian cancer syndrome (HBOC); Hereditary breast and ovarian cancer; Breast and ovarian cancer; BRCA1- and BRCA2-Associated Hereditary Breast and Ovarian Cancer; Hereditary breast and/or ovarian cancer syndrome. Identifiers: Orphanet 145, MedGen C0677776, MeSH D061325, MONDO:0003582. Disease mechanism: loss of function.
Breast-ovarian cancer, familial, susceptibility to, 2 (BROVCA2). Also called: BRCA2 Hereditary Breast and Ovarian Cancer. Identifiers: Orphanet 145, MedGen C2675520, MONDO:0012933, OMIM 612555. Disease mechanism: loss of function.

Allele frequency attached by ClinVar (database versions not stated): gnomAD 0.00001; TOPMed 0.00001; ExAC 0.00002; gnomAD exomes 0.00002.
gnomAD v4.1: 29 of 1,609,504 alleles (0.0018%); highest among the groups gnomAD compares: Non-Finnish European, 0.0025%; no homozygotes.

Submissions (13):

Evidence-based Network for the Interpretation of Germline Mutant Alleles (ENIGMA)
Classification: Likely benign for Breast-ovarian cancer, familial, susceptibility to, 2. Last evaluated: 2017-06-29. Review status: reviewed by expert panel. Criteria: ENIGMA BRCA1/2 Classification Criteria (2017-06-29). Collection method: curation. Allele origin: germline.
Comment: Synonymous substitution variant, with low bioinformatic likelihood to result in a splicing aberration (Splicing prior probability 0.02).

Labcorp Genetics (formerly Invitae), Labcorp
Classification: Likely benign for Hereditary breast ovarian cancer syndrome. Last evaluated: 2025-12-08. Review status: criteria provided, single submitter. Criteria: Invitae Variant Classification Sherloc (09022015). Collection method: clinical testing. Allele origin: germline. Not counted in ClinVar's aggregate classification.

Blueprint Genetics
Classification: Likely benign. Last evaluated: 2024-08-21. Review status: criteria provided, single submitter. Criteria: ACMG Guidelines, 2015. Collection method: clinical testing. Allele origin: germline. Not counted in ClinVar's aggregate classification.

All of Us Research Program, National Institutes of Health
Classification: Likely benign for Breast-ovarian cancer, familial, susceptibility to, 2. Last evaluated: 2023-12-13. Review status: criteria provided, single submitter. Criteria: ACMG Guidelines, 2015. Collection method: clinical testing. Allele origin: germline. Inheritance: Autosomal dominant inheritance. Observed: 3 variant alleles, 3 heterozygotes. Not counted in ClinVar's aggregate classification.
Comment: This study involves interpretation of variants in research participants for the purpose of population health screening. Participant phenotype was not available at the time of variant classification. Additional details can be found in publication PMID: 35346344, PMCID: PMC8962531

KCCC/NGS Laboratory, Kuwait Cancer Control Center
Classification: Likely benign for Breast-ovarian cancer, familial, susceptibility to, 2. Last evaluated: 2023-07-07. Review status: criteria provided, single submitter. Criteria: ACMG Guidelines, 2015. Collection method: clinical testing. Allele origin: germline. Affected: yes. Not counted in ClinVar's aggregate classification.

Quest Diagnostics Nichols Institute San Juan Capistrano
Classification: Likely benign. Last evaluated: 2023-03-09. Review status: criteria provided, single submitter. Criteria: Quest Diagnostics criteria. Collection method: clinical testing. Allele origin: unknown. Not counted in ClinVar's aggregate classification.

Sema4
Classification: Likely benign for Hereditary cancer-predisposing syndrome. Last evaluated: 2021-05-17. Review status: criteria provided, single submitter. Criteria: Sema4 Curation Guidelines. Collection method: curation. Allele origin: germline. Not counted in ClinVar's aggregate classification.

Women's Health and Genetics/Laboratory Corporation of America, LabCorp
Classification: Likely benign. Last evaluated: 2019-08-21. Review status: criteria provided, single submitter. Criteria: LabCorp Variant Classification Summary - May 2015. Collection method: clinical testing. Allele origin: germline. Not counted in ClinVar's aggregate classification.

Color Diagnostics, LLC DBA Color Health
Classification: Likely benign for Hereditary cancer-predisposing syndrome. Last evaluated: 2017-09-08. Review status: criteria provided, single submitter. Criteria: ACMG Guidelines, 2015. Collection method: clinical testing. Allele origin: germline. Not counted in ClinVar's aggregate classification.

GeneDx
Classification: Benign. Last evaluated: 2015-04-13. Review status: criteria provided, single submitter. Criteria: GeneDx Variant Classification Process June 2021. Collection method: clinical testing. Allele origin: germline. Affected: yes. Not counted in ClinVar's aggregate classification.

Ambry Genetics
Classification: Likely benign for Hereditary cancer-predisposing syndrome. Last evaluated: 2014-09-12. Review status: criteria provided, single submitter. Criteria: Ambry Variant Classification Scheme 2023. Collection method: clinical testing. Allele origin: germline. Not counted in ClinVar's aggregate classification.

Counsyl
Classification: Likely benign for Breast-ovarian cancer, familial, susceptibility to, 2. Last evaluated: 2015-12-04. Review status: no assertion criteria provided. Collection method: clinical testing. Allele origin: unknown. Not counted in ClinVar's aggregate classification.

Department of Pathology and Laboratory Medicine, Sinai Health System
Classification: Likely benign for Breast-ovarian cancer, familial, susceptibility to, 2. Review status: no assertion criteria provided. Collection method: clinical testing. Allele origin: unknown. Affected: yes. Observed: 9 variant alleles. Study: The Canadian Open Genetics Repository (COGR). Not counted in ClinVar's aggregate classification.
Comment: The BRCA2 p.Arg668= variant is not expected to have clinical significance because it does not result in a change of amino acid and is not located in a known consensus splice site. In addition, in silico or computational prediction software programs (SpliceSiteFinder, MaxEntScan, NNSPLICE, GeneSplicer, HumanSpliceFinder) do not predict a difference in splicing. The variant was identified in the ClinVar database (classified as likely benign by Ambry Genetics), UMD (2x as an unclassified variant) and the GeneInsight COGR database (submitted by a clinical laboratory as â€šÃ„Ãºunclassifiedâ€šÃ„Ã¹). The variant was identified in the Exome Aggregation Consortium database in 2 of 65980 chromosomes (frequency: 0.00003) from a European (non-Finnish) population, although this low number of observations and low frequency is not substantive enough to determine the prevalence of the variant in the general population and its relationship to disease. The variant was not identified in any other database searches including: dbSNP, Exome Variant Server Exome Sequencing Project, HGMD, BIC, LOVD, and COSMIC. In summary, based on the above information, the clinical significance of this variant cannot be determined with certainty at this time although we would lean towards a more benign role for this variant. This variant is classified as likely benign.